The following is an entry in ClinVar:

ClinVar aggregate classification (germline): Uncertain significance. Review status: criteria provided, multiple submitters, no conflicts (2 of 4 stars). 3 submissions from 3 submitters: Uncertain significance (3). Last evaluated 2024-02-22.

Conditions:
Dyskeratosis congenita, autosomal dominant 2. Identifiers: MedGen C3151443, MONDO:0013521, OMIM 613989.
Dyskeratosis congenita. Identifiers: Orphanet 1775, MedGen C0265965, MONDO:0015780.
Idiopathic Pulmonary Fibrosis. Also called: Idiopathic fibrosing alveolitis, chronic form; idiopathic fibrosing alveolitis. Identifiers: Orphanet 2032, MedGen C1800706, MeSH D054990, MONDO:0800504.

gnomAD v4.1: 3 of 1,583,606 alleles (0.00019%); highest among the groups gnomAD compares: Non-Finnish European, 0.00026%; no homozygotes.

Submissions (3):

Ambry Genetics
Classification: Uncertain significance for Dyskeratosis congenita. Last evaluated: 2024-02-22. Review status: criteria provided, single submitter. Criteria: Ambry Variant Classification Scheme 2023. Collection method: clinical testing. Allele origin: germline.
Comment: The p.R224G variant (also known as c.670C>G), located in coding exon 2 of the TERT gene, results from a C to G substitution at nucleotide position 670. The arginine at codon 224 is replaced by glycine, an amino acid with dissimilar properties. This amino acid position is conserved. In addition, the in silico prediction for this alteration is inconclusive. Based on the available evidence, the clinical significance of this alteration remains unclear.

Baylor Genetics
Classification: Uncertain significance for Dyskeratosis congenita, autosomal dominant 2. Last evaluated: 2023-08-14. Review status: criteria provided, single submitter. Criteria: ACMG Guidelines, 2015. Collection method: clinical testing. Allele origin: unknown.

Labcorp Genetics (formerly Invitae), Labcorp
Classification: Uncertain significance for Dyskeratosis congenita, autosomal dominant 2; Idiopathic Pulmonary Fibrosis. Last evaluated: 2021-08-26. Review status: criteria provided, single submitter. Criteria: Invitae Variant Classification Sherloc (09022015). Collection method: clinical testing. Allele origin: germline.
Comment: This sequence change replaces arginine with glycine at codon 224 of the TERT protein (p.Arg224Gly). The arginine residue is weakly conserved and there is a moderate physicochemical difference between arginine and glycine. This variant is not present in population databases (ExAC no frequency). This variant has not been reported in the literature in individuals affected with TERT-related conditions. Algorithms developed to predict the effect of missense changes on protein structure and function (SIFT, PolyPhen-2, Align-GVGD) all suggest that this variant is likely to be tolerated. In summary, the available evidence is currently insufficient to determine the role of this variant in disease. Therefore, it has been classified as a Variant of Uncertain Significance.

NM_198253.3(TERT):c.670C>G (p.Arg224Gly)

Gene: TERT (telomerase reverse transcriptase; minus strand). Cytogenetic location: 5p15.33.
Variant type: single nucleotide variant.
Coding change: c.670C>G on transcript NM_198253.3 (MANE Select); coding-DNA position 670, C replaced by G.
Protein change: p.Arg224Gly; replaces arginine 224 with glycine.
Molecular consequence: missense variant. On other transcripts: non-coding transcript variant (2).
Genome position (GRCh38, 1-based): chr5:1,294,216, G>C on the plus strand (C>G on the coding strand, the complement: TERT is on the minus strand). VCF-style: chr5-1294216-G-C. GRCh37 (hg19) VCF-style: chr5-1294331-G-C.
Other names: c.670C>G, p.Arg224Gly (NM_001193376.3); c.670C>G (NM_198253.2); short protein forms R224G.
Identifiers: ClinVar variation 1041832 (VCV001041832.46), dbSNP rs750497661, ClinGen allele CA359057061.
Genomic context (GRCh38, chr5:1,294,216, plus strand): 5'-GGGCAGCGCCACGCCTGGGCCTCTTGGGCAACGGCAGACTTCGGCTGGCACTGCCCCCGC[G>C]CCTCCTCGCACCCGGGGCTGGCAGGCCCAGGGGGACCCCGGCCTCCCTGACGCTATGGTT-3'
Protein context (NP_937983.2, residues 214-234): LGLPAPGARR[Arg224Gly]GGSASRSLPL